The following is an entry in ClinVar:

NM_001287491.2(TET3):c.3723G>A (p.Ser1241=)

Gene: TET3 (tet methylcytosine dioxygenase 3; plus strand). Cytogenetic location: 2p13.1.
Variant type: single nucleotide variant.
Coding change: c.3723G>A on transcript NM_001287491.2 (MANE Select); coding-DNA position 3723, G replaced by A.
Protein change: p.Ser1241=; no amino-acid change (serine 1241 retained).
Molecular consequence: synonymous variant.
Genome position (GRCh38, 1-based): chr2:74,100,511, G>A. VCF-style: chr2-74100511-G-A. GRCh37 (hg19) VCF-style: chr2-74327638-G-A.
Other names: c.3444G>A, p.Ser1148= (NM_001366022.1).
Identifiers: ClinVar variation 3388152 (VCV003388152.14).
Genomic context (GRCh38, chr2:74,100,511, plus strand): 5'-GCCGCAGAACCACTTCAGCTCCTTCAAGTACAGCGGCAACGCGGTGGTGGAGAGCTACTC[G>A]GTGCTGGGCAACTGCCGGCCCTCCGACCCTTACAGCATGAACAGCGTGTACTCCTACCAC-3'
Protein context (NP_001274420.1, residues 1231-1251): YSGNAVVESY[Ser1241=]VLGNCRPSDP

ClinVar aggregate classification (germline): Likely benign (1 of 4 stars; one submission).

gnomAD v4.1: 61 of 1,607,146 alleles (0.0038%); highest among the groups gnomAD compares: South Asian, 0.0056%; no homozygotes.

Submission:

CeGaT Center for Human Genetics Tuebingen
Classification: Likely benign. Last evaluated: 2024-10-01. Review status: criteria provided, single submitter. Criteria: CeGaT Center For Human Genetics Tuebingen Variant Classification Criteria Version 2. Collection method: clinical testing. Allele origin: germline. Affected: yes. Observed: 1 variant allele.
Comment: TET3: BP4